The following is an entry in ClinVar:

ClinVar aggregate classification (germline): Likely pathogenic (1 of 4 stars; one submission).

Conditions:
Familial cancer of breast. Also called: BREAST CANCER, FAMILIAL; Hereditary breast cancer; hereditary breast carcinoma. Identifiers: Orphanet 227535, MedGen C0346153, MONDO:0016419, OMIM 114480. Disease mechanism: loss of function.

Submission:

Myriad Genetics, Inc.
Classification: Likely pathogenic for Familial cancer of breast. Last evaluated: 2024-01-18. Review status: criteria provided, single submitter. Criteria: Myriad Autosomal Dominant, Autosomal Recessive and X-Linked Classification Criteria (2023). Collection method: clinical testing. Allele origin: unknown.
Comment: This variant is considered likely pathogenic. This variant occurs within a consensus splice junction and is predicted to result in abnormal mRNA splicing of either an out-of-frame exon or an in-frame exon necessary for protein stability and/or normal function.

NM_000051.4(ATM):c.3154-2A>C

Gene: ATM (ATM serine/threonine kinase; plus strand). Cytogenetic location: 11q22.3.
Variant type: single nucleotide variant.
Coding change: c.3154-2A>C on transcript NM_000051.4 (MANE Select); the canonical splice acceptor site of the intron before coding-DNA position 3154, A replaced by C.
Molecular consequence: splice acceptor variant.
Genome position (GRCh38, 1-based): chr11:108,272,720, A>C. VCF-style: chr11-108272720-A-C. GRCh37 (hg19) VCF-style: chr11-108143447-A-C.
Other names: c.3154-2A>C (NM_001351834.2).
Identifiers: ClinVar variation 3148263 (VCV003148263.1), dbSNP rs730881357, ClinGen allele CA382515462.